The following is an entry in ClinVar:

NM_000352.6(ABCC8):c.4411+26G>C

Gene: ABCC8 (ATP binding cassette subfamily C member 8; minus strand). Cytogenetic location: 11p15.1.
Variant type: single nucleotide variant.
Coding change: c.4411+26G>C on transcript NM_000352.6 (MANE Select); 26 bases into the intron after coding-DNA position 4411, G replaced by C.
Molecular consequence: intron variant.
Genome position (GRCh38, 1-based): chr11:17,395,146, C>G on the plus strand (G>C on the coding strand, the complement: ABCC8 is on the minus strand). VCF-style: chr11-17395146-C-G. GRCh37 (hg19) VCF-style: chr11-17416693-C-G.
Other names: c.4408+26G>C (NM_001351297.2); c.4411+26G>C (NM_001351296.2); c.4477+26G>C (NM_001351295.2); c.4414+26G>C (NM_001287174.3).
Identifiers: ClinVar variation 4072303 (VCV004072303.1).

ClinVar aggregate classification (germline): Uncertain significance (1 of 4 stars; one submission).

Conditions:
Hyperinsulinemic hypoglycemia, familial, 1 (HHF1). Also called: Persistent Hyperinsulinemia Hypoglycemia of Infancy; Persistent hyperinsulinemic hypoglycemia of infancy; HYPERINSULINISM, FAMILIAL, WITH PANCREATIC NESIDIOBLASTOSIS; HYPOGLYCEMIA, HYPERINSULINEMIC, OF INFANCY; NESIDIOBLASTOSIS OF PANCREAS. Identifiers: Orphanet 276575, Orphanet 276598, MedGen C2931832, MONDO:0009734, OMIM 256450.

Submission:

3billion
Classification: Uncertain significance for Hyperinsulinemic hypoglycemia, familial, 1. Last evaluated: 2024-07-04. Review status: criteria provided, single submitter. Criteria: ACMG Guidelines, 2015. Collection method: clinical testing. Allele origin: germline. Affected: yes.
Comment: The variant is not observed in the gnomAD v4.0.0 dataset. Predicted Consequence/Location: Intron variant In silico tools predict the variant to alter splicing and produce an abnormal transcript [SpliceAI: 0.40 (>=0.2, moderate evidence for spliceogenicity)]. Therefore, this variant is classified as VUS according to the recommendation of ACMG/AMP guideline.